The following is an entry in ClinVar:

ClinVar aggregate classification (germline): Uncertain significance (1 of 4 stars; one submission).

Submission:

GeneDx
Classification: Uncertain significance. Last evaluated: 2022-02-16. Review status: criteria provided, single submitter. Criteria: GeneDx Variant Classification Process June 2021. Collection method: clinical testing. Allele origin: germline. Affected: yes.
Comment: Not observed at significant frequency in large population cohorts (gnomAD); In silico analysis supports that this missense variant does not alter protein structure/function; Has not been previously published as pathogenic or benign to our knowledge

NM_000937.5(POLR2A):c.4505T>C (p.Phe1502Ser)

Gene: POLR2A (RNA polymerase II subunit A; plus strand). Cytogenetic location: 17p13.1.
Variant type: single nucleotide variant.
Coding change: c.4505T>C on transcript NM_000937.5 (MANE Select); coding-DNA position 4505, T replaced by C.
Protein change: p.Phe1502Ser; replaces phenylalanine 1502 with serine.
Molecular consequence: missense variant.
Genome position (GRCh38, 1-based): chr17:7,512,489, T>C. VCF-style: chr17-7512489-T-C. GRCh37 (hg19) VCF-style: chr17-7415808-T-C.
Other names: short protein forms F1502S.
Identifiers: ClinVar variation 1702775 (VCV001702775.2), dbSNP rs2150890263, ClinGen allele CA397828833.